The following is an entry in ClinVar:

ClinVar aggregate classification (germline): Uncertain significance. Review status: criteria provided, multiple submitters, no conflicts (2 of 4 stars). 2 submissions from 2 submitters: Uncertain significance (2). Last evaluated 2025-12-17.

Conditions:
Deficiency of hyaluronoglucosaminidase (MPS9). Also called: Mucopolysaccharidosis type 9; HYALURONIDASE DEFICIENCY; MPS IX. Identifiers: Orphanet 67041, MedGen C1291490, MONDO:0011093, OMIM 601492.

gnomAD v4.1: 74 of 1,614,062 alleles (0.0046%); highest among the groups gnomAD compares: South Asian, 0.052%; no homozygotes.

Submissions (2):

Labcorp Genetics (formerly Invitae), Labcorp
Classification: Uncertain significance for Deficiency of hyaluronoglucosaminidase. Last evaluated: 2025-12-17. Review status: criteria provided, single submitter. Criteria: Invitae Variant Classification Sherloc (09022015). Collection method: clinical testing. Allele origin: germline.
Comment: This sequence change replaces proline, which is neutral and non-polar, with leucine, which is neutral and non-polar, at codon 282 of the HYAL1 protein (p.Pro282Leu). This variant is present in population databases (rs782723000, gnomAD 0.06%). This variant has not been reported in the literature in individuals affected with HYAL1-related conditions. ClinVar contains an entry for this variant (Variation ID: 3285097). An algorithm developed to predict the effect of missense changes on protein structure and function (PolyPhen-2) suggests that this variant is likely to be disruptive. In summary, the available evidence is currently insufficient to determine the role of this variant in disease. Therefore, it has been classified as a Variant of Uncertain Significance.

Ambry Genetics
Classification: Uncertain significance. Last evaluated: 2024-05-26. Review status: criteria provided, single submitter. Criteria: Ambry Variant Classification Scheme 2023. Collection method: clinical testing. Allele origin: germline.

NM_033159.4(HYAL1):c.845C>T (p.Pro282Leu)

Gene: HYAL1 (hyaluronidase 1; minus strand). Cytogenetic location: 3p21.31.
Variant type: single nucleotide variant.
Coding change: c.845C>T on transcript NM_033159.4 (MANE Select); coding-DNA position 845, C replaced by T.
Protein change: p.Pro282Leu; replaces proline 282 with leucine.
Molecular consequence: missense variant. On other transcripts: non-coding transcript variant (1).
Genome position (GRCh38, 1-based): chr3:50,302,112, G>A on the plus strand (C>T on the coding strand, the complement: HYAL1 is on the minus strand). VCF-style: chr3-50302112-G-A. GRCh37 (hg19) VCF-style: chr3-50339543-G-A.
Other names: c.845C>T, p.Pro282Leu (NM_153281.2, NM_153282.3); c.299C>T, p.Pro100Leu (NM_153283.3); c.68C>T, p.Pro23Leu (NM_153285.3); short protein forms P100L, P23L, P282L.
Identifiers: ClinVar variation 3285097 (VCV003285097.2).